The following is an entry in ClinVar:

NM_001005242.3(PKP2):c.218dup (p.Asn74fs)

Gene: PKP2 (plakophilin 2; minus strand). Cytogenetic location: 12p11.21.
Variant type: Duplication.
Coding change: c.218dup on transcript NM_001005242.3 (MANE Select); coding-DNA position 218, one base duplicated (G; older notation c.218dupG).
Protein change: p.Asn74fs; shifts the reading frame from asparagine 74.
Molecular consequence: frameshift variant.
Genome position (GRCh38, 1-based): chr12:32,896,514, C duplicated on the plus strand (G on the coding strand, the reverse complement: PKP2 is on the minus strand); the first of 3 consecutive C bases (chr12:32,896,514-32,896,516); duplicating any one gives the same sequence. VCF-style (leftmost placement, unchanged base first): chr12-32896513-G-GC. GRCh37 (hg19) VCF-style: chr12-33049447-G-GC.
Other names: c.218dupG (NM_004572.3); c.218dup, p.Asn74fs (NM_004572.4); short protein forms N74fs.
Identifiers: ClinVar variation 934444 (VCV000934444.50), dbSNP rs1257456477, ClinGen allele CA687423219.

ClinVar aggregate classification (germline): Pathogenic. Review status: criteria provided, multiple submitters, no conflicts (2 of 4 stars). 4 submissions from 4 submitters: Pathogenic (4). Last evaluated 2026-01-28.

Conditions:
Cardiovascular phenotype. Identifiers: MedGen CN230736.
Arrhythmogenic right ventricular dysplasia 9 (ARVD9). Also called: Arrhythmogenic Right Ventricular Dysplasia/Cardiomyopathy 9; ARRHYTHMOGENIC RIGHT VENTRICULAR DYSPLASIA, FAMILIAL, 9. Identifiers: MedGen C1836906, MONDO:0012180, OMIM 609040.

Submissions (4):

Labcorp Genetics (formerly Invitae), Labcorp
Classification: Pathogenic for Arrhythmogenic right ventricular dysplasia 9. Last evaluated: 2026-01-28. Review status: criteria provided, single submitter. Criteria: Invitae Variant Classification Sherloc (09022015). Collection method: clinical testing. Allele origin: germline.
Comment: This sequence change creates a premature translational stop signal (p.Asn74Glnfs*12) in the PKP2 gene. It is expected to result in an absent or disrupted protein product. Loss-of-function variants in PKP2 are known to be pathogenic (PMID: 15489853, 17041889, 23911551). This variant is not present in population databases (gnomAD no frequency). This premature translational stop signal has been observed in individual(s) with arrhythmogenic right ventricular cardiomyopathy (PMID: 15489853, 20031617). This variant is also known as Q74fsX85 and p.Asn74AlafsX39. ClinVar contains an entry for this variant (Variation ID: 934444). For these reasons, this variant has been classified as Pathogenic.

Ambry Genetics
Classification: Pathogenic for Cardiovascular phenotype. Last evaluated: 2023-05-30. Review status: criteria provided, single submitter. Criteria: Ambry Variant Classification Scheme 2023. Collection method: clinical testing. Allele origin: germline.
Comment: The c.218dupG pathogenic mutation, located in coding exon 1 of the PKP2 gene, results from a duplication of G at nucleotide position 218, causing a translational frameshift with a predicted alternate stop codon (p.N74Qfs*12). This variant (also referred to as c.216insG) has been reported in individuals with arrhythmogenic right ventricular cardiomyopathy (Gerull B et al. Nat Genet, 2004 Nov;36:1162-4; Groeneweg JA et al. Circ Cardiovasc Genet, 2015 Jun;8:437-46; Svensson A et al. Cardiology, 2021 Sep;146:763-771). This variant is considered to be rare based on population cohorts in the Genome Aggregation Database (gnomAD). In addition to the clinical data presented in the literature, this alteration is expected to result in loss of function by premature protein truncation or nonsense-mediated mRNA decay. As such, this alteration is interpreted as a disease-causing mutation.

GeneDx
Classification: Pathogenic. Last evaluated: 2021-03-02. Review status: criteria provided, single submitter. Criteria: GeneDx Variant Classification Process June 2021. Collection method: clinical testing. Allele origin: germline. Affected: yes.
Comment: Identified in patients with definite or probable ARVC per task force criteria in patients referred to GeneDx and in published literature, and segregated with right ventricular dilatation in one relative (Gerull et al., 2004; den Haan et al., 2009; Groeneweg et al., 2015; Te Riele et al., 2015; vanLint et al., 2019); also denoted as c.216insG due to alternate nomenclature Not observed in large population cohorts (Lek et al., 2016) Frameshift variant predicted to result in protein truncation or nonsense mediated decay in a gene for which loss-of-function is a known mechanism of disease Reported in ClinVar as pathogenic (ClinVar Variant ID# 934444; Landrum et al., 2016)

CeGaT Center for Human Genetics Tuebingen
Classification: Pathogenic. Last evaluated: 2020-11-01. Review status: criteria provided, single submitter. Criteria: CeGaT Center For Human Genetics Tuebingen Variant Classification Criteria Version 2. Collection method: clinical testing. Allele origin: germline. Affected: yes. Observed: 1 variant allele.

Literature cited by the submitters: PubMed 15489853 (cited by Labcorp Genetics (formerly Invitae), Labcorp and Ambry Genetics); PubMed 17041889 (cited by Labcorp Genetics (formerly Invitae), Labcorp); PubMed 23911551 (cited by Labcorp Genetics (formerly Invitae), Labcorp); PubMed 20031617 (cited by Labcorp Genetics (formerly Invitae), Labcorp and Ambry Genetics); PubMed 20857253 (cited by Ambry Genetics); PubMed 25820315 (cited by Ambry Genetics); PubMed 34469894 (cited by Ambry Genetics); PubMed 35653365 (cited by Ambry Genetics).